The following is an entry in ClinVar:

ClinVar aggregate classification (germline): Likely pathogenic. Review status: criteria provided, multiple submitters, no conflicts (2 of 4 stars). 2 submissions from 2 submitters: Likely pathogenic (2). Last evaluated 2024-07-31.

Submissions (2):

GeneDx
Classification: Likely pathogenic. Last evaluated: 2024-07-31. Review status: criteria provided, single submitter. Criteria: GeneDx Variant Classification Process June 2021. Collection method: clinical testing. Allele origin: germline. Affected: yes.
Comment: Frameshift variant predicted to result in protein truncation, as the last 121 amino acids are replaced with 74 different amino acids, and other loss-of-function variants have been reported downstream in HGMD; Has not been previously published as pathogenic or benign to our knowledge

Laboratorio de Genetica e Diagnostico Molecular, Hospital Israelita Albert Einstein
Classification: Likely pathogenic. Last evaluated: 2021-08-19. Review status: criteria provided, single submitter. Criteria: ACMG Guidelines, 2015. Collection method: clinical testing. Allele origin: germline. Affected: yes.
Comment: ACMG classification criteria: PVS1, PM2

NM_016219.5(MAN1B1):c.1736delinsCG (p.Gln579fs)

Gene: MAN1B1 (mannosidase alpha class 1B member 1; plus strand). Cytogenetic location: 9q34.3.
Variant type: Indel.
Coding change: c.1736delinsCG on transcript NM_016219.5 (MANE Select); coding-DNA position 1736, A replaced by CG.
Protein change: p.Gln579fs; shifts the reading frame from glutamine 579.
Molecular consequence: frameshift variant. On other transcripts: non-coding transcript variant (2).
Genome position (GRCh38, 1-based): chr9:137,107,419, A replaced by CG. VCF-style: chr9-137107419-A-CG. GRCh37 (hg19) VCF-style: chr9-140001871-A-CG.
Other names: short protein forms Q579fs.
Identifiers: ClinVar variation 1678867 (VCV001678867.6), dbSNP rs2131131580, ClinGen allele CA2573144399.